The following is an entry in ClinVar:

NM_001286574.2(ARMC12):c.213G>A (p.Arg71=)

Gene: ARMC12 (armadillo repeat containing 12; plus strand). Cytogenetic location: 6p21.31.
Variant type: single nucleotide variant.
Coding change: c.213G>A on transcript NM_001286574.2 (MANE Select); coding-DNA position 213, G replaced by A.
Protein change: p.Arg71=; no amino-acid change (arginine 71 retained).
Molecular consequence: synonymous variant.
Genome position (GRCh38, 1-based): chr6:35,738,076, G>A. VCF-style: chr6-35738076-G-A. GRCh37 (hg19) VCF-style: chr6-35705853-G-A.
Other names: c.213G>A, p.Arg71= (NM_001286576.2); c.294G>A, p.Arg98= (NM_145028.5).
Identifiers: ClinVar variation 2656510 (VCV002656510.24), dbSNP rs151133317, ClinGen allele CA3773550.
Genomic context (GRCh38, chr6:35,738,076, plus strand): 5'-TGGCTGTCTAGGCCTGGCAGTCGAGCGAGAGCGGCACGGGCGGGACTCAGGTGAGCTCCG[G>A]AGGCTCCTCAACTCTTTGGAGTGCAAACAGGATGAGTATGCCAAGAGCATGATCCTGCAC-3'
Protein context (NP_001273503.1, residues 61-81): ERHGRDSGEL[Arg71=]RLLNSLECKQ

ClinVar aggregate classification (germline): Likely benign (1 of 4 stars; one submission).

Allele frequency attached by ClinVar (database versions not stated): 1000 Genomes Project 0.00280; 1000 Genomes Project 30x 0.00281; TOPMed 0.00427; ESP Exome Variant Server 0.00454; gnomAD 0.00464; ExAC 0.00485; gnomAD exomes 0.00514.
gnomAD v4.1: 8,188 of 1,614,060 alleles (0.51%); highest among the groups gnomAD compares: Middle Eastern, 1.8%; 30 homozygotes.

Submission:

CeGaT Center for Human Genetics Tuebingen
Classification: Likely benign. Last evaluated: 2023-02-01. Review status: criteria provided, single submitter. Criteria: CeGaT Center For Human Genetics Tuebingen Variant Classification Criteria Version 2. Collection method: clinical testing. Allele origin: germline. Affected: yes. Observed: 1 variant allele.
Comment: ARMC12: BP4, BP7, BS2